The following is an entry in ClinVar:

ClinVar aggregate classification (germline): Likely pathogenic (1 of 4 stars; one submission).

Submission:

GeneDx
Classification: Likely pathogenic. Last evaluated: 2016-08-15. Review status: criteria provided, single submitter. Criteria: GeneDx Variant Classification (06012015). Collection method: clinical testing. Allele origin: germline. Affected: yes.
Comment: The c.700_709del10 variant in the DNMT3A gene has not been reported previously as a pathogenic variant nor as a benign variant, to our knowledge. The c.700_709del10 variant causes a frameshift starting with codon Glycine 234, changes this amino acid to an Arginine residue, and creates a premature Stop codon at position 79 of the new reading frame, denoted p.Gly234ArgfsX7. This variant is predicted to cause loss of normal protein function either through protein truncation or nonsense-mediated mRNA decay. The c.700_709del10 variant was not observed in approximately 6500 individuals of European and African American ancestry in the NHLBI Exome Sequencing Project, indicating it is not a common benign variant in these populations. We interpret c.700_709del10 as a likely pathogenic variant, however the possibility it may be a rare benign variant cannot be excluded.

NM_022552.5(DNMT3A):c.700_709del (p.Gly234fs)

Gene: DNMT3A (DNA methyltransferase 3 alpha; minus strand). Cytogenetic location: 2p23.3.
Variant type: Deletion.
Coding change: c.700_709del on transcript NM_022552.5 (MANE Select); coding-DNA positions 700 to 709, 10 bases deleted (GGGGAGTCTC; older notation c.700_709delGGGGAGTCTC).
Protein change: p.Gly234fs; shifts the reading frame from glycine 234.
Molecular consequence: frameshift variant. On other transcripts: non-coding transcript variant (1).
Genome position (GRCh38, 1-based): chr2:25,248,183-25,248,192, GAGACTCCCC deleted on the plus strand (GGGGAGTCTC on the coding strand, the reverse complement: DNMT3A is on the minus strand); deleting any 10 consecutive bases within chr2:25,248,183-25,248,193 gives the same sequence; the c. name uses the placement nearest the transcript's 3' end. VCF-style (leftmost placement, unchanged base first): chr2-25248182-TGAGACTCCCC-T. GRCh37 (hg19) VCF-style: chr2-25471051-TGAGACTCCCC-T.
Other names: c.244_253del, p.Gly82fs (NM_001320893.1); c.31_40del, p.Gly11fs (NM_001375819.1); c.133_142del, p.Gly45fs (NM_153759.3); c.700_709del, p.Gly234fs (NM_175629.2); c.700_709delGGGGAGTCTC (NM_175629.2); short protein forms G45fs, G234fs, G82fs, G11fs.
Identifiers: ClinVar variation 422022 (VCV000422022.2), dbSNP rs1553414444, ClinGen allele CA16617517.